The following is an entry in ClinVar:

ClinVar aggregate classification (germline): Benign/Likely benign. Review status: criteria provided, multiple submitters, no conflicts (2 of 4 stars). 7 submissions from 7 submitters: Benign (2); Likely benign (5). Last evaluated 2026-09-01.

Conditions:
Polycystic lipomembranous osteodysplasia with sclerosing leukoencephalopathy 2. Also called: TREM2-Related Polycystic Lipomembranous Osteodysplasia with Sclerosing Leukoencephalopathy. Identifiers: MedGen C4748657, MONDO:0020750, OMIM 618193.

Allele frequency attached by ClinVar (database versions not stated): 1000 Genomes Project 30x 0.01452; gnomAD exomes 0.00108 and 0.00306; ExAC 0.00381; ESP Exome Variant Server 0.00986; gnomAD 0.01045 and 0.01125; TOPMed 0.01306; 1000 Genomes Project 0.01438.
gnomAD v4.1: 3,236 of 1,614,028 alleles (0.2%); highest among the groups gnomAD compares: African/African-American, 3.4%; 39 homozygotes.

Submissions (7):

CeGaT Center for Human Genetics Tuebingen
Classification: Benign. Last evaluated: 2026-09-01. Review status: criteria provided, single submitter. Criteria: CeGaT Center For Human Genetics Tuebingen Variant Classification Criteria Version 2. Collection method: clinical testing. Allele origin: germline. Affected: yes. Observed: 6 variant alleles.
Comment: TREM2: BS1, BS2

Labcorp Genetics (formerly Invitae), Labcorp
Classification: Benign. Last evaluated: 2026-01-27. Review status: criteria provided, single submitter. Criteria: Invitae Variant Classification Sherloc (09022015). Collection method: clinical testing. Allele origin: germline.

GeneDx
Classification: Likely benign. Last evaluated: 2020-11-03. Review status: criteria provided, single submitter. Criteria: GeneDx Variant Classification Process June 2021. Collection method: clinical testing. Allele origin: germline. Affected: yes.
Comment: See Variant Classification Assertion Criteria.

Eurofins Ntd Llc (ga)
Classification: Likely benign. Last evaluated: 2018-06-26. Review status: criteria provided, single submitter. Criteria: EGL ClinVar v180209 classification definitions. Collection method: clinical testing. Allele origin: germline. Observed: 1 variant allele, 1 heterozygote.

Illumina Laboratory Services, Illumina
Classification: Likely benign for Polycystic lipomembranous osteodysplasia with sclerosing leukoencephalopathy 2. Last evaluated: 2017-04-28. Review status: criteria provided, single submitter. Criteria: ICSL Variant Classification Criteria 13 December 2019. Collection method: clinical testing. Allele origin: germline.
Comment: This variant was observed as part of a predisposition screen in an ostensibly healthy population. A literature search was performed for the gene, cDNA change, and amino acid change (where applicable). Publications were found based on this search. The evidence from the literature, in combination with allele frequency data from public databases where available, was sufficient to determine this variant is unlikely to cause disease. Therefore, this variant is classified as likely benign.

Center for Pediatric Genomic Medicine, Children's Mercy Hospital and Clinics
Classification: Likely benign. Last evaluated: 2016-02-04. Review status: criteria provided, single submitter. Criteria: ACMG Guidelines, 2015. Collection method: clinical testing. Allele origin: germline.
ClinVar note: Converted during submission from Likely Benign to Likely benign.

Breakthrough Genomics
Classification: Likely benign. Review status: criteria provided, single submitter. Criteria: ACMG Guidelines, 2015. Collection method: not provided. Allele origin: germline. Inheritance: Autosomal recessive inheritance. Affected: yes.

Literature cited by the submitters: PubMed 24119542 (cited by Illumina Laboratory Services, Illumina); PubMed 19019460 (cited by Illumina Laboratory Services, Illumina).

NM_018965.4(TREM2):c.*73G>A

Gene: TREM2 (triggering receptor expressed on myeloid cells 2; minus strand). Cytogenetic location: 6p21.1.
Variant type: single nucleotide variant.
Coding change: c.*73G>A on transcript NM_018965.4 (MANE Select); 73 bases downstream of the stop codon, G replaced by A.
Molecular consequence: 3 prime UTR variant. On other transcripts: nonsense (1).
Genome position (GRCh38, 1-based): chr6:41,158,691, C>T on the plus strand (G>A on the coding strand, the complement: TREM2 is on the minus strand). VCF-style: chr6-41158691-C-T. GRCh37 (hg19) VCF-style: chr6-41126429-C-T.
Other names: c.572G>A, p.Trp191Ter (NM_001271821.2); short protein forms W191*.
Identifiers: ClinVar variation 235387 (VCV000235387.43), dbSNP rs2234258, ClinGen allele CA3798788.
Genomic context (GRCh38, chr6:41,158,691, plus strand): 5'-GAGAAGCAGTGTTCAGGCAGAGTAGTCTCTTGCCAGAGCAGAACAAGGAGTCCTGGTGGC[C>T]AAGTGGCAAGTATGCAGGCTGGGCTGGTCCCTGGTGGGACTTCTCCTGGGCTTTTCCTCC-3'